The following is an entry in ClinVar:

ClinVar aggregate classification (germline): Benign/Likely benign. Review status: criteria provided, multiple submitters, no conflicts (2 of 4 stars). 5 submissions from 5 submitters: Benign (2); Likely benign (3). Last evaluated 2026-01-27.

Allele frequency attached by ClinVar (database versions not stated): gnomAD exomes 0.00054; ExAC 0.00070; gnomAD 0.00230 and 0.00251; ESP Exome Variant Server 0.00262; TOPMed 0.00281; 1000 Genomes Project 30x 0.00375; 1000 Genomes Project 0.00379.
gnomAD v4.1: 745 of 1,613,902 alleles (0.046%); highest among the groups gnomAD compares: African/African-American, 0.82%; 7 homozygotes.

Submissions (5):

Labcorp Genetics (formerly Invitae), Labcorp
Classification: Benign. Last evaluated: 2026-01-27. Review status: criteria provided, single submitter. Criteria: Invitae Variant Classification Sherloc (09022015). Collection method: clinical testing. Allele origin: germline.

CeGaT Center for Human Genetics Tuebingen
Classification: Likely benign. Last evaluated: 2025-07-01. Review status: criteria provided, single submitter. Criteria: CeGaT Center For Human Genetics Tuebingen Variant Classification Criteria Version 2. Collection method: clinical testing. Allele origin: germline. Affected: yes. Observed: 1 variant allele.
Comment: ABCC6: BP4, BP7

Mayo Clinic Laboratories, Mayo Clinic
Classification: Likely benign. Last evaluated: 2024-11-29. Review status: criteria provided, single submitter. Criteria: ACMG Guidelines, 2015. Collection method: clinical testing. Allele origin: germline. Observed: 1 variant allele.
Comment: BS1, BP4, BP7

Blueprint Genetics
Classification: Likely benign. Last evaluated: 2024-10-18. Review status: criteria provided, single submitter. Criteria: ACMG Guidelines, 2015. Collection method: clinical testing. Allele origin: germline.

Breakthrough Genomics
Classification: Benign. Review status: criteria provided, single submitter. Criteria: ACMG Guidelines, 2015. Collection method: not provided. Allele origin: germline. Inheritance: Autosomal recessive inheritance. Affected: yes.

NM_001171.6(ABCC6):c.3852C>T (p.Gly1284=)

Gene: ABCC6 (ATP binding cassette subfamily C member 6; minus strand). Cytogenetic location: 16p13.11.
Variant type: single nucleotide variant.
Coding change: c.3852C>T on transcript NM_001171.6 (MANE Select); coding-DNA position 3852, C replaced by T.
Protein change: p.Gly1284=; no amino-acid change (glycine 1284 retained).
Molecular consequence: synonymous variant. On other transcripts: non-coding transcript variant (1).
Genome position (GRCh38, 1-based): chr16:16,157,693, G>A on the plus strand (C>T on the coding strand, the complement: ABCC6 is on the minus strand). VCF-style: chr16-16157693-G-A. GRCh37 (hg19) VCF-style: chr16-16251550-G-A.
Other names: p.Gly1284=; c.3510C>T, p.Gly1170= (NM_001351800.1).
Identifiers: ClinVar variation 710344 (VCV000710344.22), dbSNP rs56982924, ClinGen allele CA7925404.